The following is an entry in ClinVar:

NM_000038.6(APC):c.5880_5881delinsAC (p.Val1961Leu)

Gene: APC (APC regulator of Wnt signaling pathway; plus strand). Cytogenetic location: 5q22.2.
Variant type: Indel.
Coding change: c.5880_5881delinsAC on transcript NM_000038.6 (MANE Select); coding-DNA positions 5880 to 5881, GG replaced by AC.
Protein change: p.Val1961Leu; replaces valine 1961 with leucine.
Molecular consequence: missense variant.
Genome position (GRCh38, 1-based): chr5:112,841,474-112,841,475, GG replaced by AC. VCF-style: chr5-112841474-GG-AC. GRCh37 (hg19) VCF-style: chr5-112177171-GG-AC.
Other names: c.5880_5881delinsAC, p.Val1961Leu (NM_001127510.3, NM_001354895.2); c.5826_5827delinsAC, p.Val1943Leu (NM_001127511.3); c.5934_5935delinsAC, p.Val1979Leu (NM_001354896.2); c.5910_5911delinsAC, p.Val1971Leu (NM_001354897.2); c.5805_5806delinsAC, p.Val1936Leu (NM_001354898.2); c.5796_5797delinsAC, p.Val1933Leu (NM_001354899.2); c.5757_5758delinsAC, p.Val1920Leu (NM_001354900.2); c.5703_5704delinsAC, p.Val1902Leu (NM_001354901.2); and 5 more; short protein forms V1678L, V1860L, V1971L, V1936L, V1801L, V1920L, V1933L, V1943L.
Identifiers: ClinVar variation 246067 (VCV000246067.7), dbSNP rs879254075, ClinGen allele CA10584258.

ClinVar aggregate classification (germline): Uncertain significance. Review status: criteria provided, multiple submitters, no conflicts (2 of 4 stars). 3 submissions from 3 submitters: Uncertain significance (3). Last evaluated 2025-12-17.

Conditions:
Hereditary cancer-predisposing syndrome. Also called: Hereditary neoplastic syndrome; Neoplastic Syndromes, Hereditary; Tumor predisposition; Hereditary Cancer Syndrome. Identifiers: Orphanet 140162, MedGen C0027672, MeSH D009386, MONDO:0015356.
Familial adenomatous polyposis 1 (FAP1). Also called: FAMILIAL ADENOMATOUS POLYPOSIS 1, ATTENUATED; POLYPOSIS, ADENOMATOUS INTESTINAL. Identifiers: MedGen C2713442, MONDO:0021056, OMIM 175100. Disease mechanism: loss of function.

Submissions (3):

Labcorp Genetics (formerly Invitae), Labcorp
Classification: Uncertain significance for Familial adenomatous polyposis 1. Last evaluated: 2025-12-17. Review status: criteria provided, single submitter. Criteria: Invitae Variant Classification Sherloc (09022015). Collection method: clinical testing. Allele origin: germline.
Comment: This sequence change replaces valine, which is neutral and non-polar, with leucine, which is neutral and non-polar, at codon 1961 of the APC protein (p.Val1961Leu). Information on the frequency of this variant in the gnomAD database is not available, as this variant may be reported differently in the database. This variant has not been reported in the literature in individuals affected with APC-related conditions. ClinVar contains an entry for this variant (Variation ID: 246067). Experimental studies and prediction algorithms are not available or were not evaluated, and the functional significance of this variant is currently unknown. In summary, the available evidence is currently insufficient to determine the role of this variant in disease. Therefore, it has been classified as a Variant of Uncertain Significance.

Ambry Genetics
Classification: Uncertain significance for Hereditary cancer-predisposing syndrome. Last evaluated: 2020-07-28. Review status: criteria provided, single submitter. Criteria: Ambry Variant Classification Scheme 2023. Collection method: clinical testing. Allele origin: germline.
Comment: The c.5880_5881delGGinsAC variant (also known as p.V1961L), located in coding exon 15 of the APC gene, results from an in-frame deletion of GG and insertion of AC at nucleotide positions 5880 to 5881. This results in the substitution of the valine residue for a leucine residue at codon 1961, an amino acid with highly similar properties. This amino acid position is highly conserved in available vertebrate species. In addition, this alteration is predicted to be neutral by in silico analysis (Choi Y et al. PLoS ONE. 2012; 7(10):e46688). Since supporting evidence is limited at this time, the clinical significance of this alteration remains unclear.

GeneDx
Classification: Uncertain significance. Last evaluated: 2017-11-30. Review status: criteria provided, single submitter. Criteria: GeneDx Variant Classification (06012015). Collection method: clinical testing. Allele origin: germline. Affected: yes.
Comment: This variant is denoted APC c.5880_5881delGCinsAC at the cDNA level, p.Val1961Leu (V1961L) at the protein level. The surrounding sequence is CTCC[delGG][insAC]TTTG. This in frame deletion and insertion occurs on the same allele (in cis) and results in the missense change of a Valine to a Leucine (GTT>CTT). This variant has not, to our knowledge, been published in the literature as pathogenic or benign. Neither APC c.5880_5881delGCinsAC nor APC Val1961Leu (by this or an alternate nucleotide change) have been observed in large population cohorts (Lek 2016). Since Valine and Leucine share similar properties, this is considered a conservative amino acid substitution. APC Val1961Leu is located in the beta-catenin down-regulating domain and SAMP repeats/axin binding domain (Azzopardi 2008). In-silico analyses, including protein predictors and evolutionary conservation, support that this variant does not alter protein structure/function. Based on currently available evidence, it is unclear whether APC Val1961Leu is a pathogenic or benign variant. We consider it to be a variant of uncertain significance.